The following is an entry in ClinVar:

ClinVar aggregate classification (germline): Uncertain significance. Review status: criteria provided, multiple submitters, no conflicts (2 of 4 stars). 3 submissions from 3 submitters: Uncertain significance (3). Last evaluated 2025-11-11.

Conditions:
Epidermolysis bullosa simplex 5B, with muscular dystrophy (EBS5B). Also called: EPIDERMOLYSIS BULLOSA SIMPLEX AND LIMB-GIRDLE MUSCULAR DYSTROPHY; Epidermolysis bullosa simplex with muscular dystrophy. Identifiers: Orphanet 257, MedGen C2931072, MONDO:0009181, OMIM 226670.
Epidermolysis bullosa simplex with nail dystrophy (EBS5D). Identifiers: MedGen C4225309, MONDO:0014661, OMIM 616487.
Epidermolysis bullosa simplex 5C, with pyloric atresia (EBS5C). Also called: PLEC-Related Epidermolysis Bullosa with Pyloric Atresia; Epidermolysis bullosa simplex with pyloric atresia; PLEC1-Related Epidermolysis Bullosa with Pyloric Atresia. Identifiers: Orphanet 158684, MedGen C2677349, MONDO:0012807, OMIM 612138.
Autosomal recessive limb-girdle muscular dystrophy type 2Q (LGMDR17). Also called: MUSCULAR DYSTROPHY, LIMB-GIRDLE, AUTOSOMAL RECESSIVE 17. Identifiers: Orphanet 254361, MedGen C3150989, MONDO:0013390, OMIM 613723.
Epidermolysis bullosa simplex, Ogna type (EBS5A). Also called: EPIDERMOLYSIS BULLOSA SIMPLEX 5A, OGNA TYPE; Pidermolysis bullosa simplex 5A, Ogna type. Identifiers: Orphanet 79401, MedGen C0432317, MONDO:0007555, OMIM 131950.
Inborn genetic diseases. Identifiers: MedGen C0950123, MeSH D030342.

Allele frequency attached by ClinVar (database versions not stated): ExAC 0.00001.
gnomAD v4.1: 12 of 1,612,856 alleles (0.00074%); highest among the groups gnomAD compares: East Asian, 0.0022%; no homozygotes.

Submissions (3):

Ambry Genetics
Classification: Uncertain significance for Inborn genetic diseases. Last evaluated: 2025-11-11. Review status: criteria provided, single submitter. Criteria: Ambry Variant Classification Scheme 2023. Collection method: clinical testing. Allele origin: germline.

Labcorp Genetics (formerly Invitae), Labcorp
Classification: Uncertain significance for Autosomal recessive limb-girdle muscular dystrophy type 2Q; Epidermolysis bullosa simplex, Ogna type; Epidermolysis bullosa simplex with nail dystrophy; Epidermolysis bullosa simplex 5C, with pyloric atresia; Epidermolysis bullosa simplex 5B, with muscular dystrophy. Last evaluated: 2025-05-22. Review status: criteria provided, single submitter. Criteria: Invitae Variant Classification Sherloc (09022015). Collection method: clinical testing. Allele origin: germline.
Comment: This sequence change replaces valine, which is neutral and non-polar, with methionine, which is neutral and non-polar, at codon 4163 of the PLEC protein (p.Val4163Met). This variant is present in population databases (rs749212061, gnomAD 0.004%). This variant has not been reported in the literature in individuals affected with PLEC-related conditions. ClinVar contains an entry for this variant (Variation ID: 2434952). Invitae Evidence Modeling of protein sequence and biophysical properties (such as structural, functional, and spatial information, amino acid conservation, physicochemical variation, residue mobility, and thermodynamic stability) indicates that this missense variant is not expected to disrupt PLEC protein function with a negative predictive value of 80%. In summary, the available evidence is currently insufficient to determine the role of this variant in disease. Therefore, it has been classified as a Variant of Uncertain Significance.

Revvity Omics, Revvity
Classification: Uncertain significance. Last evaluated: 2022-11-28. Review status: criteria provided, single submitter. Criteria: ACMG Guidelines, 2015. Collection method: clinical testing. Allele origin: germline.

NM_201384.3(PLEC):c.12406G>A (p.Val4136Met)

Gene: PLEC (plectin; minus strand). Cytogenetic location: 8q24.3.
Variant type: single nucleotide variant.
Coding change: c.12406G>A on transcript NM_201384.3 (MANE Select); coding-DNA position 12406, G replaced by A.
Protein change: p.Val4136Met; replaces valine 4136 with methionine.
Molecular consequence: missense variant.
Genome position (GRCh38, 1-based): chr8:143,917,415, C>T on the plus strand (G>A on the coding strand, the complement: PLEC is on the minus strand). VCF-style: chr8-143917415-C-T. GRCh37 (hg19) VCF-style: chr8-144991583-C-T.
Other names: c.9106G>A, p.Val3036Met (NM_001410941.1); c.12364G>A, p.Val4122Met (NM_201378.4); c.12340G>A, p.Val4114Met (NM_201379.3); c.12817G>A, p.Val4273Met (NM_201380.4); c.12310G>A, p.Val4104Met (NM_201381.3); c.12406G>A, p.Val4136Met (NM_201382.4); c.12418G>A, p.Val4140Met (NM_201383.3); c.12487G>A (NM_000445.3); and 1 more; short protein forms V3036M, V4104M, V4114M, V4122M, V4136M, V4140M, V4163M, V4273M.
Identifiers: ClinVar variation 2434952 (VCV002434952.7), dbSNP rs749212061, ClinGen allele CA4924091.